The following is an entry in ClinVar:

NM_001004334.4(GPR179):c.1837T>A (p.Phe613Ile)

Gene: GPR179 (G protein-coupled receptor 179; minus strand). Cytogenetic location: 17q12.
Variant type: single nucleotide variant.
Coding change: c.1837T>A on transcript NM_001004334.4 (MANE Select); coding-DNA position 1837, T replaced by A.
Protein change: p.Phe613Ile; replaces phenylalanine 613 with isoleucine.
Molecular consequence: missense variant.
Genome position (GRCh38, 1-based): chr17:38,333,986, A>T on the plus strand (T>A on the coding strand, the complement: GPR179 is on the minus strand). VCF-style: chr17-38333986-A-T. GRCh37 (hg19) VCF-style: chr17-36489869-A-T.
Other names: short protein forms F613I.
Identifiers: ClinVar variation 323015 (VCV000323015.9), dbSNP rs190745934, ClinGen allele CA10645575.

ClinVar aggregate classification (germline): Uncertain significance. Review status: criteria provided, multiple submitters, no conflicts (2 of 4 stars). 3 submissions from 3 submitters: Uncertain significance (3). Last evaluated 2025-02-01.

Conditions:
Inborn genetic diseases. Identifiers: MedGen C0950123, MeSH D030342.

Allele frequency attached by ClinVar (database versions not stated): gnomAD exomes 0.00009; gnomAD 0.00018 and 0.00019; TOPMed 0.00037; 1000 Genomes Project 0.00040; 1000 Genomes Project 30x 0.00062; ESP Exome Variant Server 0.00008; ExAC 0.00009.
gnomAD v4.1: 253 of 1,613,574 alleles (0.016%); highest among the groups gnomAD compares: Admixed American, 0.06%; no homozygotes.

Submissions (3):

Ambry Genetics
Classification: Uncertain significance for Inborn genetic diseases. Last evaluated: 2025-02-01. Review status: criteria provided, single submitter. Criteria: Ambry Variant Classification Scheme 2023. Collection method: clinical testing. Allele origin: germline.

Blueprint Genetics
Classification: Uncertain significance. Last evaluated: 2023-05-09. Review status: criteria provided, single submitter. Criteria: ACMG Guidelines, 2015. Collection method: clinical testing. Allele origin: germline.

Labcorp Genetics (formerly Invitae), Labcorp
Classification: Uncertain significance. Last evaluated: 2022-09-27. Review status: criteria provided, single submitter. Criteria: Invitae Variant Classification Sherloc (09022015). Collection method: clinical testing. Allele origin: germline.
Comment: This sequence change replaces phenylalanine, which is neutral and non-polar, with isoleucine, which is neutral and non-polar, at codon 613 of the GPR179 protein (p.Phe613Ile). This variant is present in population databases (rs190745934, gnomAD 0.03%). This variant has not been reported in the literature in individuals affected with GPR179-related conditions. ClinVar contains an entry for this variant (Variation ID: 323015). Algorithms developed to predict the effect of missense changes on protein structure and function output the following: SIFT: "Tolerated"; PolyPhen-2: "Benign"; Align-GVGD: "Class C0". The isoleucine amino acid residue is found in multiple mammalian species, which suggests that this missense change does not adversely affect protein function. In summary, the available evidence is currently insufficient to determine the role of this variant in disease. Therefore, it has been classified as a Variant of Uncertain Significance.